The following is an entry in ClinVar:

ClinVar aggregate classification (germline): Uncertain significance (1 of 4 stars; one submission).

gnomAD v4.1: 1 of 1,210,196 alleles (0.000083%); highest among the groups gnomAD compares: Non-Finnish European, 0.00011%; no homozygotes.

Submission:

Labcorp Genetics (formerly Invitae), Labcorp
Classification: Uncertain significance. Last evaluated: 2022-02-04. Review status: criteria provided, single submitter. Criteria: Invitae Variant Classification Sherloc (09022015). Collection method: clinical testing. Allele origin: germline.
Comment: This sequence change replaces lysine, which is basic and polar, with glutamic acid, which is acidic and polar, at codon 640 of the CHM protein (p.Lys640Glu). This variant is not present in population databases (gnomAD no frequency). This variant has not been reported in the literature in individuals affected with CHM-related conditions. Algorithms developed to predict the effect of missense changes on protein structure and function output the following: SIFT: "Tolerated"; PolyPhen-2: "Benign"; Align-GVGD: "Class C0". The glutamic acid amino acid residue is found in multiple mammalian species, which suggests that this missense change does not adversely affect protein function. In summary, the available evidence is currently insufficient to determine the role of this variant in disease. Therefore, it has been classified as a Variant of Uncertain Significance.

NM_000390.4(CHM):c.1918A>G (p.Lys640Glu)

Gene: CHM (CHM Rab escort protein; minus strand). Cytogenetic location: Xq21.2.
Variant type: single nucleotide variant.
Coding change: c.1918A>G on transcript NM_000390.4 (MANE Select); coding-DNA position 1918, A replaced by G.
Protein change: p.Lys640Glu; replaces lysine 640 with glutamic acid.
Molecular consequence: missense variant.
Genome position (GRCh38, 1-based): chrX:85,864,674, T>C on the plus strand (A>G on the coding strand, the complement: CHM is on the minus strand). VCF-style: chrX-85864674-T-C. GRCh37 (hg19) VCF-style: chrX-85119679-T-C.
Other names: c.1474A>G, p.Lys492Glu (NM_001320959.1, NM_001362517.1, NM_001362518.2 and 1 more transcripts); short protein forms K492E, K640E.
Identifiers: ClinVar variation 1494857 (VCV001494857.5), dbSNP rs2148111839, ClinGen allele CA413784861.